The following is an entry in ClinVar:

NM_015122.3(FCHO1):c.2350C>T (p.Pro784Ser)

Gene: FCHO1 (FCH and mu domain containing endocytic adaptor 1; plus strand). Cytogenetic location: 19p13.11.
Variant type: single nucleotide variant.
Coding change: c.2350C>T on transcript NM_015122.3 (MANE Select); coding-DNA position 2350, C replaced by T.
Protein change: p.Pro784Ser; replaces proline 784 with serine.
Molecular consequence: missense variant. On other transcripts: non-coding transcript variant (35), intron variant (5).
Genome position (GRCh38, 1-based): chr19:17,784,848, C>T. VCF-style: chr19-17784848-C-T. GRCh37 (hg19) VCF-style: chr19-17895657-C-T.
Other names: c.2350C>T, p.Pro784Ser (NM_001161357.2, NM_001161358.2, NM_001384370.1 and 11 more transcripts); c.2200C>T, p.Pro734Ser (NM_001161359.2, NM_001384384.1, NM_001384385.1 and 1 more transcripts); c.2329C>T, p.Pro777Ser (NM_001384387.1); c.2311C>T, p.Pro771Ser (NM_001384388.1, NM_001384389.1); c.2275C>T, p.Pro759Ser (NM_001384390.1); c.2233C>T, p.Pro745Ser (NM_001384392.1, NM_001384393.1, NM_001384394.1 and 1 more transcripts); c.2074C>T, p.Pro692Ser (NM_001384396.1, NM_001384397.1, NM_001384398.1 and 4 more transcripts); c.2029C>T, p.Pro677Ser (NM_001384403.1); and 5 more; short protein forms P677S, P759S, P777S, P692S, P734S, P784S, P745S, P771S.
Identifiers: ClinVar variation 1896265 (VCV001896265.5), dbSNP rs760495681, ClinGen allele CA9300845.

ClinVar aggregate classification (germline): Uncertain significance. Review status: criteria provided, multiple submitters, no conflicts (2 of 4 stars). 3 submissions from 3 submitters: Uncertain significance (3). Last evaluated 2024-11-06.

Allele frequency attached by ClinVar (database versions not stated): ExAC 0.00002; TOPMed 0.00005; gnomAD 0.00007; gnomAD exomes 0.00008.
gnomAD v4.1: 124 of 1,613,786 alleles (0.0077%); highest among the groups gnomAD compares: South Asian, 0.018%; no homozygotes.

Submissions (3):

Labcorp Genetics (formerly Invitae), Labcorp
Classification: Uncertain significance. Last evaluated: 2024-11-06. Review status: criteria provided, single submitter. Criteria: Invitae Variant Classification Sherloc (09022015). Collection method: clinical testing. Allele origin: germline.
Comment: This sequence change replaces proline, which is neutral and non-polar, with serine, which is neutral and polar, at codon 784 of the FCHO1 protein (p.Pro784Ser). This variant is present in population databases (rs760495681, gnomAD 0.02%). This variant has not been reported in the literature in individuals affected with FCHO1-related conditions. ClinVar contains an entry for this variant (Variation ID: 1896265). An algorithm developed to predict the effect of missense changes on protein structure and function outputs the following: PolyPhen-2: "Benign". The serine amino acid residue is found in multiple mammalian species, which suggests that this missense change does not adversely affect protein function. In summary, the available evidence is currently insufficient to determine the role of this variant in disease. Therefore, it has been classified as a Variant of Uncertain Significance.

GeneDx
Classification: Uncertain significance. Last evaluated: 2024-09-07. Review status: criteria provided, single submitter. Criteria: GeneDx Variant Classification Process June 2021. Collection method: clinical testing. Allele origin: germline. Affected: yes.
Comment: In silico analysis indicates that this missense variant does not alter protein structure/function; Has not been previously published as pathogenic or benign to our knowledge

Ambry Genetics
Classification: Uncertain significance. Last evaluated: 2021-08-09. Review status: criteria provided, single submitter. Criteria: Ambry Variant Classification Scheme 2023. Collection method: clinical testing. Allele origin: germline.